The following is an entry in ClinVar:

NM_001378454.1(ALMS1):c.9911C>G (p.Ser3304Cys)

Gene: ALMS1 (ALMS1 centrosome and basal body associated protein; plus strand). Cytogenetic location: 2p13.1.
Variant type: single nucleotide variant.
Coding change: c.9911C>G on transcript NM_001378454.1 (MANE Select); coding-DNA position 9911, C replaced by G.
Protein change: p.Ser3304Cys; replaces serine 3304 with cysteine.
Molecular consequence: missense variant.
Genome position (GRCh38, 1-based): chr2:73,550,270, C>G. VCF-style: chr2-73550270-C-G. GRCh37 (hg19) VCF-style: chr2-73777397-C-G.
Other names: c.9914C>G, p.Ser3305Cys (NM_015120.4); short protein forms S3305C, S3304C.
Identifiers: ClinVar variation 1347021 (VCV001347021.6), dbSNP rs2104034683, ClinGen allele CA347271017.

ClinVar aggregate classification (germline): Uncertain significance (1 of 4 stars; one submission).

Conditions:
Alstrom syndrome (ALMS). Identifiers: Orphanet 64, MedGen C0268425, MONDO:0008763, OMIM 203800.

Submission:

Labcorp Genetics (formerly Invitae), Labcorp
Classification: Uncertain significance for Alstrom syndrome. Last evaluated: 2022-03-02. Review status: criteria provided, single submitter. Criteria: Invitae Variant Classification Sherloc (09022015). Collection method: clinical testing. Allele origin: germline.
Comment: This variant is not present in population databases (gnomAD no frequency). This variant has not been reported in the literature in individuals affected with ALMS1-related conditions. This sequence change replaces serine, which is neutral and polar, with cysteine, which is neutral and slightly polar, at codon 3305 of the ALMS1 protein (p.Ser3305Cys). Experimental studies and prediction algorithms are not available or were not evaluated, and the functional significance of this variant is currently unknown. In summary, the available evidence is currently insufficient to determine the role of this variant in disease. Therefore, it has been classified as a Variant of Uncertain Significance.